The following is an entry in ClinVar:

NM_013432.5(TONSL):c.292C>T (p.His98Tyr)

Gene: TONSL (tonsoku like, DNA repair protein; minus strand). Cytogenetic location: 8q24.3.
Variant type: single nucleotide variant.
Coding change: c.292C>T on transcript NM_013432.5 (MANE Select); coding-DNA position 292, C replaced by T.
Protein change: p.His98Tyr; replaces histidine 98 with tyrosine.
Molecular consequence: missense variant.
Genome position (GRCh38, 1-based): chr8:144,443,294, G>A on the plus strand (C>T on the coding strand, the complement: TONSL is on the minus strand). VCF-style: chr8-144443294-G-A. GRCh37 (hg19) VCF-style: chr8-145668677-G-A.
Other names: short protein forms H98Y.
Identifiers: ClinVar variation 2090541 (VCV002090541.4), dbSNP rs2537509574, ClinGen allele CA372679234.

ClinVar aggregate classification (germline): Uncertain significance (1 of 4 stars; one submission).

Submission:

Labcorp Genetics (formerly Invitae), Labcorp
Classification: Uncertain significance. Last evaluated: 2022-07-03. Review status: criteria provided, single submitter. Criteria: Invitae Variant Classification Sherloc (09022015). Collection method: clinical testing. Allele origin: germline.
Comment: In summary, the available evidence is currently insufficient to determine the role of this variant in disease. Therefore, it has been classified as a Variant of Uncertain Significance. Algorithms developed to predict the effect of missense changes on protein structure and function (SIFT, PolyPhen-2, Align-GVGD) all suggest that this variant is likely to be tolerated. This variant has not been reported in the literature in individuals affected with TONSL-related conditions. This variant is not present in population databases (gnomAD no frequency). This sequence change replaces histidine, which is basic and polar, with tyrosine, which is neutral and polar, at codon 98 of the TONSL protein (p.His98Tyr).